The following is an entry in ClinVar:

ClinVar aggregate classification (germline): Uncertain significance. Review status: criteria provided, single submitter (1 of 4 stars). 2 submissions from 2 submitters: Uncertain significance (1). 1 of the submissions does not count toward it. Last evaluated 2023-01-27.

Conditions:
SLC25A13-related disorder. Also called: SLC25A13-related condition.
Citrullinemia. Identifiers: Orphanet 187, MedGen C0175683, MONDO:0015991.

gnomAD v4.1: 2 of 1,607,538 alleles (0.00012%); highest among the groups gnomAD compares: Middle Eastern, 0.017%; no homozygotes.

Submissions (2):

PreventionGenetics, part of Exact Sciences
Classification: Uncertain significance for SLC25A13-related condition. Last evaluated: 2023-01-27. Review status: criteria provided, single submitter. Criteria: ACMG Guidelines, 2015. Collection method: clinical testing. Allele origin: germline.
Comment: The SLC25A13 c.848G>C variant is predicted to result in the amino acid substitution p.Gly283Ala. To our knowledge, this variant has not been reported in the literature or in a large population database, indicating this variant is rare. At this time, the clinical significance of this variant is uncertain due to the absence of conclusive functional and genetic evidence.

Natera, Inc.
Classification: Uncertain significance for Citrullinemia. Last evaluated: 2025-01-14. Review status: no assertion criteria provided. Collection method: clinical testing. Allele origin: germline. Not counted in ClinVar's aggregate classification.

NM_014251.3(SLC25A13):c.848G>C (p.Gly283Ala)

Gene: SLC25A13 (solute carrier family 25 member 13; minus strand). Cytogenetic location: 7q21.3.
Variant type: single nucleotide variant.
Coding change: c.848G>C on transcript NM_014251.3 (MANE Select); coding-DNA position 848, G replaced by C.
Protein change: p.Gly283Ala; replaces glycine 283 with alanine.
Molecular consequence: missense variant. On other transcripts: non-coding transcript variant (1).
Genome position (GRCh38, 1-based): chr7:96,189,581, C>G on the plus strand (G>C on the coding strand, the complement: SLC25A13 is on the minus strand). VCF-style: chr7-96189581-C-G. GRCh37 (hg19) VCF-style: chr7-95818893-C-G.
Other names: c.848G>C, p.Gly283Ala (NM_001160210.2); short protein forms G283A.
Identifiers: ClinVar variation 2629836 (VCV002629836.2), dbSNP rs544756381, ClinGen allele CA368262526.